The following is an entry in ClinVar:

ClinVar aggregate classification (germline): Uncertain significance (1 of 4 stars; one submission).

gnomAD v4.1: 1 of 1,614,042 alleles (0.000062%); highest among the groups gnomAD compares: African/African-American, 0.0013%; no homozygotes.

Submission:

Labcorp Genetics (formerly Invitae), Labcorp
Classification: Uncertain significance. Last evaluated: 2025-06-12. Review status: criteria provided, single submitter. Criteria: Invitae Variant Classification Sherloc (09022015). Collection method: clinical testing. Allele origin: germline.
Comment: This sequence change replaces glutamine, which is neutral and polar, with glutamic acid, which is acidic and polar, at codon 2172 of the FREM2 protein (p.Gln2172Glu). This variant is not present in population databases (gnomAD no frequency). This variant has not been reported in the literature in individuals affected with FREM2-related conditions. ClinVar contains an entry for this variant (Variation ID: 2111555). Invitae Evidence Modeling of protein sequence and biophysical properties (such as structural, functional, and spatial information, amino acid conservation, physicochemical variation, residue mobility, and thermodynamic stability) indicates that this missense variant is not expected to disrupt FREM2 protein function with a negative predictive value of 80%. In summary, the available evidence is currently insufficient to determine the role of this variant in disease. Therefore, it has been classified as a Variant of Uncertain Significance.

NM_207361.6(FREM2):c.6514C>G (p.Gln2172Glu)

Gene: FREM2 (FRAS1 related extracellular matrix 2; plus strand). Cytogenetic location: 13q13.3.
Variant type: single nucleotide variant.
Coding change: c.6514C>G on transcript NM_207361.6 (MANE Select); coding-DNA position 6514, C replaced by G.
Protein change: p.Gln2172Glu; replaces glutamine 2172 with glutamic acid.
Molecular consequence: missense variant.
Genome position (GRCh38, 1-based): chr13:38,850,172, C>G. VCF-style: chr13-38850172-C-G. GRCh37 (hg19) VCF-style: chr13-39424309-C-G.
Other names: short protein forms Q2172E.
Identifiers: ClinVar variation 2111555 (VCV002111555.4), dbSNP rs1877318003, ClinGen allele CA387896461.
Genomic context (GRCh38, chr13:38,850,172, plus strand): 5'-AGGACTGGGGATGTCCAGTACAGATCTTCAGTGAGATGCTACACCCGGCAGGGGTCTGCA[C>G]AGGTGATGATGGACTTTGAAGAACGCCCAAACACTGATACCTCCATCATCACATTCCTCC-3'
Protein context (NP_997244.4, residues 2162-2182): VRCYTRQGSA[Gln2172Glu]VMMDFEERPN